The following is an entry in ClinVar:

NM_020928.2(ZSWIM6):c.421_462del (p.Gly142_Ser155del)

Gene: ZSWIM6 (zinc finger SWIM-type containing 6; plus strand). Cytogenetic location: 5q12.1.
Variant type: Deletion.
Coding change: c.421_462del on transcript NM_020928.2 (MANE Select); coding-DNA positions 421 to 462, 42 bases deleted.
Protein change: p.Gly142_Ser155del.
Molecular consequence: inframe deletion.
Genome position (GRCh38, 1-based): chr5:61,332,693-61,332,734, 42 bases deleted; deleting any 42 consecutive bases within chr5:61,332,692-61,332,734 gives the same sequence; the c. name uses the placement nearest the transcript's 3' end. GRCh37 (hg19): chr5:60,628,520-60,628,561.
Identifiers: ClinVar variation 1307835 (VCV001307835.2), dbSNP rs2112012969, ClinGen allele CA2554945079.
Genomic context (GRCh38, chr5:61,332,691, plus strand): 5'-AGATCTGCATGTACTCGTCCTTCAACACCGGCGGCGGCGCCGCGGGCGGCCCCGGCGACG[ACAGCGGTGGCGGCGGCGGCGCGGGCGGCGGCGGCGGCGGCGG>A]CTCCTCGTCTTCCCCGGCCGCAACCTCGGCGGCCGCAACCTCGGCCGCCGCCGCCGCTGC-3'

ClinVar aggregate classification (germline): Uncertain significance (1 of 4 stars; one submission).

Submission:

GeneDx
Classification: Uncertain significance. Last evaluated: 2019-08-28. Review status: criteria provided, single submitter. Criteria: GeneDx Variant Classification Process June 2021. Collection method: clinical testing. Allele origin: germline. Affected: yes.
Comment: Has not been previously published as pathogenic or benign to our knowledge; Not observed in large population cohorts (Lek et al., 2016); In silico analysis, which includes protein predictors and evolutionary conservation, supports that this variant does not alter protein structure/function